The following is an entry in ClinVar:

NM_001370466.1(NOD2):c.-8-2198C>G

Gene: NOD2 (nucleotide binding oligomerization domain containing 2; plus strand). Cytogenetic location: 16q12.1.
Variant type: single nucleotide variant.
Coding change: c.-8-2198C>G on transcript NM_001370466.1 (MANE Select); 2198 bases into the intron before 8 bases upstream of the start codon, C replaced by G.
Molecular consequence: intron variant. On other transcripts: missense variant (1).
Genome position (GRCh38, 1-based): chr16:50,697,290, C>G. VCF-style: chr16-50697290-C-G. GRCh37 (hg19) VCF-style: chr16-50731201-C-G.
Other names: c.47C>G, p.Ala16Gly (NM_022162.3); short protein forms A16G.
Identifiers: ClinVar variation 3748129 (VCV003748129.2).

ClinVar aggregate classification (germline): Uncertain significance (1 of 4 stars; one submission).

Conditions:
Blau syndrome (BLAUS). Also called: GRANULOMATOSIS, FAMILIAL JUVENILE SYSTEMIC; GRANULOMATOSIS, FAMILIAL, BLAU TYPE; GRANULOMATOUS INFLAMMATORY ARTHRITIS, DERMATITIS, AND UVEITIS, FAMILIAL; JABS SYNDROME; ARTHROCUTANEOUVEAL GRANULOMATOSIS. Identifiers: Orphanet 90340, MedGen C5201146, MONDO:0008523, OMIM 186580.
Regional enteritis. Also called: Enteritis, Granulomatous. Identifiers: MedGen C0678202, MeSH D003424.

gnomAD v4.1: 1 of 1,559,914 alleles (0.000064%); highest among the groups gnomAD compares: Non-Finnish European, 0.000087%; no homozygotes.

Submission:

Labcorp Genetics (formerly Invitae), Labcorp
Classification: Uncertain significance for Regional enteritis; Blau syndrome. Last evaluated: 2024-09-23. Review status: criteria provided, single submitter. Criteria: Invitae Variant Classification Sherloc (09022015). Collection method: clinical testing. Allele origin: germline.
Comment: This sequence change replaces alanine, which is neutral and non-polar, with glycine, which is neutral and non-polar, at codon 16 of the NOD2 protein (p.Ala16Gly). This variant is not present in population databases (gnomAD no frequency). This variant has not been reported in the literature in individuals affected with NOD2-related conditions. Invitae Evidence Modeling of protein sequence and biophysical properties (such as structural, functional, and spatial information, amino acid conservation, physicochemical variation, residue mobility, and thermodynamic stability) indicates that this missense variant is not expected to disrupt NOD2 protein function with a negative predictive value of 95%. In summary, the available evidence is currently insufficient to determine the role of this variant in disease. Therefore, it has been classified as a Variant of Uncertain Significance.